The following is an entry in ClinVar:

NM_002907.4(RECQL):c.1531A>G (p.Thr511Ala)

Gene: RECQL (RecQ like helicase; minus strand). Cytogenetic location: 12p12.1.
Variant type: single nucleotide variant.
Coding change: c.1531A>G on transcript NM_002907.4 (MANE Select); coding-DNA position 1531, A replaced by G.
Protein change: p.Thr511Ala; replaces threonine 511 with alanine.
Molecular consequence: missense variant.
Genome position (GRCh38, 1-based): chr12:21,471,564, T>C on the plus strand (A>G on the coding strand, the complement: RECQL is on the minus strand). VCF-style: chr12-21471564-T-C. GRCh37 (hg19) VCF-style: chr12-21624498-T-C.
Other names: c.1531A>G, p.Thr511Ala (NM_032941.3); short protein forms T511A.
Identifiers: ClinVar variation 1308936 (VCV001308936.2), dbSNP rs2137316893, ClinGen allele CA384116211.

ClinVar aggregate classification (germline): Uncertain significance (1 of 4 stars; one submission).

Submission:

GeneDx
Classification: Uncertain significance. Last evaluated: 2019-09-27. Review status: criteria provided, single submitter. Criteria: GeneDx Variant Classification Process June 2021. Collection method: clinical testing. Allele origin: germline. Affected: yes.
Comment: Not observed in large population cohorts (Lek 2016); In silico analysis, which includes protein predictors and evolutionary conservation, supports a deleterious effect; Has not been previously published as pathogenic or benign to our knowledge